The following is an entry in ClinVar:

ClinVar aggregate classification (germline): Uncertain significance (1 of 4 stars; one submission).

Submission:

Labcorp Genetics (formerly Invitae), Labcorp
Classification: Uncertain significance. Last evaluated: 2021-09-24. Review status: criteria provided, single submitter. Criteria: Invitae Variant Classification Sherloc (09022015). Collection method: clinical testing. Allele origin: germline.
Comment: This sequence change replaces leucine with proline at codon 525 of the EMC1 protein (p.Leu525Pro). The leucine residue is highly conserved and there is a moderate physicochemical difference between leucine and proline. This variant is not present in population databases (ExAC no frequency). This variant has not been reported in the literature in individuals affected with EMC1-related conditions. Algorithms developed to predict the effect of missense changes on protein structure and function are either unavailable or do not agree on the potential impact of this missense change (SIFT: "Deleterious"; PolyPhen-2: "Probably Damaging"; Align-GVGD: "Class C15"). In summary, the available evidence is currently insufficient to determine the role of this variant in disease. Therefore, it has been classified as a Variant of Uncertain Significance.

NM_015047.3(EMC1):c.1574T>C (p.Leu525Pro)

Genes: EMC1 (ER membrane protein complex subunit 1; minus strand), EMC1-AS1 (EMC1 antisense RNA 1; plus strand). Cytogenetic location: 1p36.13.
Variant type: single nucleotide variant.
Coding change: c.1574T>C on transcript NM_015047.3 (MANE Select); coding-DNA position 1574, T replaced by C.
Protein change: p.Leu525Pro; replaces leucine 525 with proline.
Molecular consequence: missense variant.
Genome position (GRCh38, 1-based): chr1:19,232,994, A>G on the plus strand (T>C on the coding strand, the complement: EMC1 is on the minus strand). VCF-style: chr1-19232994-A-G. GRCh37 (hg19) VCF-style: chr1-19559488-A-G.
Other names: c.1571T>C, p.Leu524Pro (NM_001271427.2, NM_001271428.2); c.1508T>C, p.Leu503Pro (NM_001271429.2); c.1583T>C, p.Leu528Pro (NM_001375820.1); c.1580T>C, p.Leu527Pro (NM_001375821.1); short protein forms L527P, L503P, L524P, L525P, L528P.
Identifiers: ClinVar variation 1382844 (VCV001382844.6), dbSNP rs2151949754, ClinGen allele CA338762448.
Genomic context (GRCh38, chr1:19,232,994, plus strand): 5'-ACCTTGCCTGAGGCTGTTACCATCACCATCATCTTCTGGAGGTTGAATTCATCTCTGGCC[A>G]GGGTGTCAATGTTGATCTCATTCTTAATCTGACTCCGGGGCTTCCGAGCATCATAAAACA-3'
Protein context (NP_055862.1, residues 515-535): QIKNEINIDT[Leu525Pro]ARDEFNLQKM